The following is an entry in ClinVar:

NC_000011.9:g.(?_95568444)_(95568625_?)dup

Gene: MTMR2 (myotubularin related protein 2; minus strand). Cytogenetic location: 11q21.
Variant type: Duplication.
Identifiers: ClinVar variation 2426274 (VCV002426274.1).

ClinVar aggregate classification (germline): Uncertain significance (1 of 4 stars; one submission).

Conditions:
Charcot-Marie-Tooth disease type 4. Also called: Charcot-Marie-Tooth, Type 4; Charcot-Marie-Tooth disease, type IV. Identifiers: Orphanet 64749, MedGen C4082197, MONDO:0018995.

Submission:

Labcorp Genetics (formerly Invitae), Labcorp
Classification: Uncertain significance for Charcot-Marie-Tooth disease type 4. Last evaluated: 2020-02-07. Review status: criteria provided, single submitter. Criteria: Invitae Variant Classification Sherloc (09022015). Collection method: clinical testing. Allele origin: germline.
Comment: This variant is a gross duplication of the genomic region encompassing exon 15 of the MTMR2 gene. The 5' boundary is likely confined to intron 14. The 3' end of this event is unknown as it extends beyond the assayed region for this gene and therefore may encompass additional genes. The exact location of this variant in the genome is unknown. This variant has not been reported in the literature in individuals with MTMR2-related disease. In summary, the available evidence is currently insufficient to determine the role of this variant in disease. Therefore, it has been classified as a Variant of Uncertain Significance.